The following is an entry in ClinVar:

NM_015460.4(MYRIP):c.971C>T (p.Pro324Leu)

Genes: EIF1B-AS1 (EIF1B antisense RNA 1; minus strand), MYRIP (myosin VIIA and Rab interacting protein; plus strand). Cytogenetic location: 3p22.1.
Variant type: single nucleotide variant.
Coding change: c.971C>T on transcript NM_015460.4 (MANE Select); coding-DNA position 971, C replaced by T.
Protein change: p.Pro324Leu; replaces proline 324 with leucine.
Molecular consequence: missense variant. On other transcripts: non-coding transcript variant (1).
Genome position (GRCh38, 1-based): chr3:40,182,317, C>T. VCF-style: chr3-40182317-C-T. GRCh37 (hg19) VCF-style: chr3-40223808-C-T.
Other names: c.971C>T, p.Pro324Leu (NM_001284423.2, NM_001284424.2); c.704C>T, p.Pro235Leu (NM_001284425.2); c.410C>T, p.Pro137Leu (NM_001284426.2); short protein forms P137L, P235L, P324L.
Identifiers: ClinVar variation 791475 (VCV000791475.28), dbSNP rs144807590, ClinGen allele CA2328460.

ClinVar aggregate classification (germline): Benign/Likely benign. Review status: criteria provided, multiple submitters, no conflicts (2 of 4 stars). 3 submissions from 3 submitters: Benign (2); Likely benign (1). Last evaluated 2022-09-01.

Allele frequency attached by ClinVar (database versions not stated): 1000 Genomes Project 0.00280; 1000 Genomes Project 30x 0.00328; TOPMed 0.00526; ESP Exome Variant Server 0.00661.
gnomAD v4.1: 10,030 of 1,613,922 alleles (0.62%); highest among the groups gnomAD compares: Middle Eastern, 1.1%; 51 homozygotes.

Submissions (3):

CeGaT Center for Human Genetics Tuebingen
Classification: Likely benign. Last evaluated: 2022-09-01. Review status: criteria provided, single submitter. Criteria: CeGaT Center For Human Genetics Tuebingen Variant Classification Criteria Version 2. Collection method: clinical testing. Allele origin: germline. Affected: yes. Observed: 1 variant allele.
Comment: MYRIP: BP4, BS2

Labcorp Genetics (formerly Invitae), Labcorp
Classification: Benign. Last evaluated: 2017-12-20. Review status: criteria provided, single submitter. Criteria: Invitae Variant Classification Sherloc (09022015). Collection method: clinical testing. Allele origin: germline.

Breakthrough Genomics
Classification: Benign. Review status: criteria provided, single submitter. Criteria: ACMG Guidelines, 2015. Collection method: not provided. Allele origin: germline. Inheritance: Unknown mechanism. Affected: yes.